The following is an entry in ClinVar:

NM_021975.4(RELA):c.592C>T (p.Arg198Ter)

Gene: RELA (RELA proto-oncogene, NF-kB subunit; minus strand). Cytogenetic location: 11q13.1.
Variant type: single nucleotide variant.
Coding change: c.592C>T on transcript NM_021975.4 (MANE Select); coding-DNA position 592, C replaced by T.
Protein change: p.Arg198Ter; replaces arginine 198 with a stop codon.
Molecular consequence: nonsense.
Genome position (GRCh38, 1-based): chr11:65,658,790, G>A on the plus strand (C>T on the coding strand, the complement: RELA is on the minus strand). VCF-style: chr11-65658790-G-A. GRCh37 (hg19) VCF-style: chr11-65426261-G-A.
Other names: c.583C>T, p.Arg195Ter (NM_001145138.2); c.592C>T, p.Arg198Ter (NM_001243984.2, NM_001243985.2); short protein forms R195*, R198*.
Identifiers: ClinVar variation 871874 (VCV000871874.43), dbSNP rs1326268854, ClinGen allele CA381391868.

ClinVar aggregate classification (germline): Pathogenic/Likely pathogenic. Review status: criteria provided, multiple submitters, no conflicts (2 of 4 stars). 3 submissions from 3 submitters: Pathogenic (2); Likely pathogenic (1). Last evaluated 2025-04-13.

Conditions:
Autoinflammatory disease, familial, Behcet-like-3. Also called: Mucocutaneous ulceration, chronic. Identifiers: Orphanet 596759, MedGen C4748997, MONDO:0032659, OMIM 618287.

Submissions (3):

Labcorp Genetics (formerly Invitae), Labcorp
Classification: Pathogenic. Last evaluated: 2025-04-13. Review status: criteria provided, single submitter. Criteria: Invitae Variant Classification Sherloc (09022015). Collection method: clinical testing. Allele origin: germline.
Comment: This sequence change creates a premature translational stop signal (p.Arg198*) in the RELA gene. It is expected to result in an absent or disrupted protein product. Loss-of-function variants in RELA are known to be pathogenic (PMID: 28600438). This variant is not present in population databases (gnomAD no frequency). This variant has not been reported in the literature in individuals affected with RELA-related conditions. ClinVar contains an entry for this variant (Variation ID: 871874). For these reasons, this variant has been classified as Pathogenic.

Institute of Human Genetics, FAU Erlangen, Friedrich-Alexander-Universität Erlangen-Nürnberg
Classification: Pathogenic for Autoinflammatory disease, familial, Behcet-like-3. Last evaluated: 2023-03-06. Review status: criteria provided, single submitter. Criteria: Hauer et al. (Genet Med. 2018). Collection method: clinical testing. Allele origin: germline. Inheritance: Unknown mechanism. Affected: yes. Observed: 1 variant allele.
Comment: This variant has been identified by standard clinical testing.

CeGaT Center for Human Genetics Tuebingen
Classification: Likely pathogenic. Last evaluated: 2019-08-01. Review status: criteria provided, single submitter. Criteria: CeGaT Center For Human Genetics Tuebingen Variant Classification Criteria Version 2. Collection method: clinical testing. Allele origin: germline. Affected: yes. Observed: 2 variant alleles.

Literature cited by the submitters: PubMed 28600438 (cited by Labcorp Genetics (formerly Invitae), Labcorp).